The following is an entry in ClinVar:

NM_002485.5(NBN):c.1558A>G (p.Asn520Asp)

Gene: NBN (nibrin; minus strand). Cytogenetic location: 8q21.3.
Variant type: single nucleotide variant.
Coding change: c.1558A>G on transcript NM_002485.5 (MANE Select); coding-DNA position 1558, A replaced by G.
Protein change: p.Asn520Asp; replaces asparagine 520 with aspartic acid.
Molecular consequence: missense variant.
Genome position (GRCh38, 1-based): chr8:89,953,531, T>C on the plus strand (A>G on the coding strand, the complement: NBN is on the minus strand). VCF-style: chr8-89953531-T-C. GRCh37 (hg19) VCF-style: chr8-90965759-T-C.
Other names: c.1312A>G, p.Asn438Asp (NM_001024688.3); short protein forms N520D, N438D.
Identifiers: ClinVar variation 461513 (VCV000461513.20), dbSNP rs944499155, ClinGen allele CA181257926.
Genomic context (GRCh38, chr8:89,953,531, plus strand): 5'-GAGATTTACTGGCAGAATTTTTCACAATAGATTTTAAATCTGTATCTGTAAATAAGTTAT[T>C]GTCTGAGTTTGTGTCCACAGGCTCATTCTCAGATAGATGCTGCTCCTTATTTTTCCACAA-3'
Protein context (NP_002476.2, residues 510-530): ENEPVDTNSD[Asn520Asp]NLFTDTDLKS

ClinVar aggregate classification (germline): Conflicting classifications of pathogenicity. Review status: criteria provided, conflicting classifications (1 of 4 stars). 3 submissions from 3 submitters: Uncertain significance (2); Likely benign (1). Last evaluated 2024-02-17.

Conditions:
Hereditary cancer-predisposing syndrome. Also called: Hereditary neoplastic syndrome; Neoplastic Syndromes, Hereditary; Tumor predisposition; Hereditary Cancer Syndrome. Identifiers: Orphanet 140162, MedGen C0027672, MeSH D009386, MONDO:0015356.
Microcephaly, normal intelligence and immunodeficiency (NBS). Also called: IMMUNODEFICIENCY, MICROCEPHALY, AND CHROMOSOMAL INSTABILITY; SEEMANOVA SYNDROME II; Nijmegen breakage syndrome; Microcephaly with normal intelligence immunodeficiency and lymphoreticular malignancies; Nonsyndromal microcephaly autosomal recessive with normal intelligence; Seemanova syndrome 2. Identifiers: Orphanet 647, MedGen C0398791, MONDO:0009623, OMIM 251260.

Allele frequency attached by ClinVar (database versions not stated): gnomAD exomes below 0.00001.
gnomAD v4.1: 5 of 1,613,850 alleles (0.00031%); highest among the groups gnomAD compares: Non-Finnish European, 0.00042%; no homozygotes.

Submissions (3):

Labcorp Genetics (formerly Invitae), Labcorp
Classification: Uncertain significance for Microcephaly, normal intelligence and immunodeficiency. Last evaluated: 2024-02-17. Review status: criteria provided, single submitter. Criteria: Invitae Variant Classification Sherloc (09022015). Collection method: clinical testing. Allele origin: germline.
Comment: This sequence change replaces asparagine, which is neutral and polar, with aspartic acid, which is acidic and polar, at codon 520 of the NBN protein (p.Asn520Asp). This variant is not present in population databases (gnomAD no frequency). This variant has not been reported in the literature in individuals affected with NBN-related conditions. ClinVar contains an entry for this variant (Variation ID: 461513). Algorithms developed to predict the effect of missense changes on protein structure and function output the following: SIFT: "Not Available"; PolyPhen-2: "Benign"; Align-GVGD: "Not Available". The aspartic acid amino acid residue is found in multiple mammalian species, which suggests that this missense change does not adversely affect protein function. In summary, the available evidence is currently insufficient to determine the role of this variant in disease. Therefore, it has been classified as a Variant of Uncertain Significance.

Ambry Genetics
Classification: Likely benign for Hereditary cancer-predisposing syndrome. Last evaluated: 2022-03-04. Review status: criteria provided, single submitter. Criteria: Ambry Variant Classification Scheme 2023. Collection method: clinical testing. Allele origin: germline.

Genome-Nilou Lab
Classification: Uncertain significance for Microcephaly, normal intelligence and immunodeficiency. Last evaluated: 2021-11-07. Review status: criteria provided, single submitter. Criteria: ACMG Guidelines, 2015. Collection method: clinical testing. Allele origin: germline. Affected: no.